The following is an entry in ClinVar:

ClinVar aggregate classification (germline): Uncertain significance (1 of 4 stars; one submission).

Conditions:
Genitopatellar syndrome (GTPTS). Also called: ABSENT PATELLAE, SCROTAL HYPOPLASIA, RENAL ANOMALIES, FACIAL DYSMORPHISM, AND MENTAL RETARDATION; Genitopatellar syndrome (GPS). Identifiers: Orphanet 85201, MedGen C1853566, MONDO:0011640, OMIM 606170.

Submission:

Labcorp Genetics (formerly Invitae), Labcorp
Classification: Uncertain significance for Genitopatellar syndrome. Last evaluated: 2025-01-01. Review status: criteria provided, single submitter. Criteria: Invitae Variant Classification Sherloc (09022015). Collection method: clinical testing. Allele origin: germline.
Comment: This sequence change replaces arginine, which is basic and polar, with glycine, which is neutral and non-polar, at codon 1963 of the KAT6B protein (p.Arg1963Gly). This variant is not present in population databases (gnomAD no frequency). This variant has not been reported in the literature in individuals affected with KAT6B-related conditions. An algorithm developed to predict the effect of missense changes on protein structure and function (PolyPhen-2) suggests that this variant is likely to be disruptive. In summary, the available evidence is currently insufficient to determine the role of this variant in disease. Therefore, it has been classified as a Variant of Uncertain Significance.

NM_012330.4(KAT6B):c.5887A>G (p.Arg1963Gly)

Gene: KAT6B (lysine acetyltransferase 6B; plus strand). Cytogenetic location: 10q22.2.
Variant type: single nucleotide variant.
Coding change: c.5887A>G on transcript NM_012330.4 (MANE Select); coding-DNA position 5887, A replaced by G.
Protein change: p.Arg1963Gly; replaces arginine 1963 with glycine.
Molecular consequence: missense variant.
Genome position (GRCh38, 1-based): chr10:75,030,711, A>G. VCF-style: chr10-75030711-A-G. GRCh37 (hg19) VCF-style: chr10-76790469-A-G.
Other names: c.5887A>G, p.Arg1963Gly (NM_001370137.1, NM_001370136.1); c.5338A>G, p.Arg1780Gly (NM_001370138.1, NM_001256468.2); c.5011A>G, p.Arg1671Gly (NM_001370139.1, NM_001370140.1, NM_001370141.1 and 2 more transcripts); c.4822A>G, p.Arg1608Gly (NM_001370143.1, NM_001370144.1); c.4849A>G, p.Arg1617Gly (NM_001370132.1); c.4198A>G, p.Arg1400Gly (NM_001370133.1); c.3802A>G, p.Arg1268Gly (NM_001370134.1); c.3544A>G, p.Arg1182Gly (NM_001370135.1); short protein forms R1182G, R1268G, R1400G, R1608G, R1617G, R1671G, R1780G, R1963G.
Identifiers: ClinVar variation 3604002 (VCV003604002.2).